The following is an entry in ClinVar:

NC_000022.10:g.(?_50297486)_(50307413_?)del

Gene: ALG12 (ALG12 alpha-1,6-mannosyltransferase; minus strand). Cytogenetic location: 22q13.33.
Variant type: Deletion.
Identifiers: ClinVar variation 2426800 (VCV002426800.3).

ClinVar aggregate classification (germline): Pathogenic (1 of 4 stars; one submission).

Conditions:
ALG12-congenital disorder of glycosylation (CDG1G). Also called: Congenital disorder of glycosylation, type Ig; ALG12-CDG; CDG Ig. Identifiers: Orphanet 79324, MedGen C2931001, MONDO:0011783, OMIM 607143.

Submission:

Labcorp Genetics (formerly Invitae), Labcorp
Classification: Pathogenic for ALG12-congenital disorder of glycosylation. Last evaluated: 2022-10-04. Review status: criteria provided, single submitter. Criteria: Invitae Variant Classification Sherloc (09022015). Collection method: clinical testing. Allele origin: germline.
Comment: A gross deletion of the genomic region encompassing the full coding sequence of the ALG12 gene has been identified. Loss-of-function variants in ALG12 are known to be pathogenic (PMID: 15639192, 31481313). The boundaries of this event are unknown as they extend beyond the assayed region for this gene and therefore may encompass additional genes. This variant has not been reported in the literature in individuals affected with ALG12-related conditions. For these reasons, this variant has been classified as Pathogenic.

Literature cited by the submitters: PubMed 15639192; PubMed 31481313.